The following is an entry in ClinVar:

NM_001349253.2(SCN11A):c.2311G>A (p.Glu771Lys)

Gene: SCN11A (sodium voltage-gated channel alpha subunit 11; minus strand). Cytogenetic location: 3p22.2.
Variant type: single nucleotide variant.
Coding change: c.2311G>A on transcript NM_001349253.2 (MANE Select); coding-DNA position 2311, G replaced by A.
Protein change: p.Glu771Lys; replaces glutamic acid 771 with lysine.
Molecular consequence: missense variant.
Genome position (GRCh38, 1-based): chr3:38,896,937, C>T on the plus strand (G>A on the coding strand, the complement: SCN11A is on the minus strand). VCF-style: chr3-38896937-C-T. GRCh37 (hg19) VCF-style: chr3-38938428-C-T.
Other names: c.2311G>A, p.Glu771Lys (NM_014139.3); short protein forms E771K.
Identifiers: ClinVar variation 934601 (VCV000934601.7), dbSNP rs770463034, ClinGen allele CA2322088.

ClinVar aggregate classification (germline): Uncertain significance. Review status: criteria provided, multiple submitters, no conflicts (2 of 4 stars). 2 submissions from 2 submitters: Uncertain significance (2). Last evaluated 2025-02-25.

Conditions:
Hereditary sensory and autonomic neuropathy type 7. Also called: HSAN VII; Neuropathy, hereditary sensory and autonomic, type VII. Identifiers: Orphanet 391397, MedGen C3809882, MONDO:0014244, OMIM 615548.
Familial episodic pain syndrome with predominantly lower limb involvement. Also called: Episodic pain syndrome, familial, 3. Identifiers: Orphanet 391384, Orphanet 391392, MedGen C3809899, MONDO:0014247, OMIM 615552.

Allele frequency attached by ClinVar (database versions not stated): ExAC 0.00001; TOPMed 0.00001; gnomAD exomes 0.00002.
gnomAD v4.1: 26 of 1,613,530 alleles (0.0016%); highest among the groups gnomAD compares: South Asian, 0.0022%; no homozygotes.

Submissions (2):

Women's Health and Genetics/Laboratory Corporation of America, LabCorp
Classification: Uncertain significance. Last evaluated: 2025-02-25. Review status: criteria provided, single submitter. Criteria: LabCorp Variant Classification Summary - May 2015. Collection method: clinical testing. Allele origin: germline.
Comment: Variant summary: SCN11A c.2311G>A (p.Glu771Lys) results in a conservative amino acid change in the encoded protein sequence. Four of five in-silico tools predict a damaging effect of the variant on protein function. The variant allele was found at a frequency of 1.6e-05 in 251334 control chromosomes (gnomAD). The available data on variant occurrences in the general population are insufficient to allow any conclusion about variant significance. To our knowledge, no occurrence of c.2311G>A in individuals affected with Familial episodic pain syndrome with predominantly lower limb involvement and no experimental evidence demonstrating its impact on protein function have been reported. ClinVar contains an entry for this variant (Variation ID: 934601). Based on the evidence outlined above, the variant was classified as uncertain significance.

Labcorp Genetics (formerly Invitae), Labcorp
Classification: Uncertain significance for Familial episodic pain syndrome with predominantly lower limb involvement; Hereditary sensory and autonomic neuropathy type 7. Last evaluated: 2022-12-12. Review status: criteria provided, single submitter. Criteria: Invitae Variant Classification Sherloc (09022015). Collection method: clinical testing. Allele origin: germline.
Comment: In summary, the available evidence is currently insufficient to determine the role of this variant in disease. Therefore, it has been classified as a Variant of Uncertain Significance. Advanced modeling of protein sequence and biophysical properties (such as structural, functional, and spatial information, amino acid conservation, physicochemical variation, residue mobility, and thermodynamic stability) performed at Invitae indicates that this missense variant is expected to disrupt SCN11A protein function. ClinVar contains an entry for this variant (Variation ID: 934601). This variant has not been reported in the literature in individuals affected with SCN11A-related conditions. This variant is present in population databases (rs770463034, gnomAD 0.007%). This sequence change replaces glutamic acid, which is acidic and polar, with lysine, which is basic and polar, at codon 771 of the SCN11A protein (p.Glu771Lys).